The following is an entry in ClinVar:

NM_018245.3(OGDHL):c.1721C>A (p.Ser574Tyr)

Gene: OGDHL (oxoglutarate dehydrogenase L; minus strand). Cytogenetic location: 10q11.23.
Variant type: single nucleotide variant.
Coding change: c.1721C>A on transcript NM_018245.3 (MANE Select); coding-DNA position 1721, C replaced by A.
Protein change: p.Ser574Tyr; replaces serine 574 with tyrosine.
Molecular consequence: missense variant. On other transcripts: non-coding transcript variant (5).
Genome position (GRCh38, 1-based): chr10:49,744,661, G>T on the plus strand (C>A on the coding strand, the complement: OGDHL is on the minus strand). VCF-style: chr10-49744661-G-T. GRCh37 (hg19) VCF-style: chr10-50952707-G-T.
Other names: c.1550C>A, p.Ser517Tyr (NM_001143996.2, NM_001347820.1); c.1094C>A, p.Ser365Tyr (NM_001143997.2, NM_001347821.2, NM_001347822.1); c.1721C>A, p.Ser574Tyr (NM_001347819.1); c.1541C>A, p.Ser514Tyr (NM_001347823.1, NM_001347824.2); c.914C>A, p.Ser305Tyr (NM_001347825.2); c.524C>A, p.Ser175Tyr (NM_001347826.1); short protein forms S175Y, S305Y, S365Y, S514Y, S517Y, S574Y.
Identifiers: ClinVar variation 4292657 (VCV004292657.1).
Genomic context (GRCh38, chr10:49,744,661, plus strand): 5'-GACCTCAAGGCCCAGGGGAGTCCCTCTGAGCCACACACTGCTCGCTCACCAGGCCAGGGG[G>T]AGTCCAACCAGTGCTTTATATGCAGAATCTTTTTATCCTTGGACCTGCCATAAGCCTCCT-3'
Protein context (NP_060715.2, residues 564-584): KILHIKHWLD[Ser574Tyr]PWPGFFNVDG

ClinVar aggregate classification (germline): Uncertain significance (1 of 4 stars; one submission).

Conditions:
Yoon-Bellen neurodevelopmental syndrome (YOBELN). Identifiers: MedGen C5562066, MONDO:0859221, OMIM 619701.

Submission:

3billion
Classification: Uncertain significance for Yoon-Bellen neurodevelopmental syndrome. Last evaluated: 2024-08-27. Review status: criteria provided, single submitter. Criteria: ACMG Guidelines, 2015. Collection method: clinical testing. Allele origin: germline. Affected: yes.
Comment: The variant is not observed in the gnomAD v4.0.0 dataset. Predicted Consequence/Location: Missense variant Different missensechanges at the same codon have been reported as of uncertain significance (ClinVar ID: VCV002544470). Therefore, this variant is classified as VUS according to the recommendation of ACMG/AMP guideline.